The following is an entry in ClinVar:

ClinVar aggregate classification (germline): Pathogenic (1 of 4 stars; one submission).

Conditions:
SIN3A-related intellectual disability syndrome due to a point mutation. Also called: 15q24 Microdeletion Syndrome; WITTEVEEN-KOLK SYNDROME. Identifiers: Orphanet 500166, Orphanet 94065, MedGen C4310804, MONDO:0044700, OMIM 613406.

Submission:

Variantyx, Inc.
Classification: Pathogenic for SIN3A-related intellectual disability syndrome due to a point mutation. Last evaluated: 2025-12-02. Review status: criteria provided, single submitter. Criteria: Variantyx Assertion Criteria 2022. Collection method: clinical testing. Allele origin: de novo. Inheritance: Autosomal dominant inheritance. Affected: yes.
Comment: This is a frameshift variant in the SIN3A gene (OMIM: 607776). Pathogenic variants in this gene have been associated with autosomal dominant Witteveen-Kolk syndrome. This variant introduces a premature termination codon in exon 3 out of 21 and is expected to result in loss of function, which is a known disease mechanism for SIN3A in this disorder (PMID: 36158056) (PVS1). It is absent from control populations (PM2) and it has not been reported in individuals with SIN3A-related disorders in the databases available for review. Based on the current evidence, this variant is classified as pathogenic for autosomal dominant Witteveen-Kolk syndrome.

Literature cited by the submitters: PubMed 14745080; PubMed 28130605.

NM_001145358.2(SIN3A):c.262_265delinsATCACATCATAG (p.Pro88_Thr89delinsIleThrSerTer)

Gene: SIN3A (SIN3 transcription regulator family member A; minus strand). Cytogenetic location: 15q24.2.
Variant type: Indel.
Coding change: c.262_265delinsATCACATCATAG on transcript NM_001145358.2 (MANE Select); coding-DNA positions 262 to 265, CCAA replaced by ATCACATCATAG.
Protein change: p.Pro88_Thr89delinsIleThrSerTer.
Molecular consequence: nonsense.
Genome position (GRCh38, 1-based): chr15:75,422,748-75,422,751, TTGG replaced by CTATGATGTGAT on the plus strand (CCAA replaced by ATCACATCATAG on the coding strand, the reverse complement: SIN3A is on the minus strand). VCF-style: chr15-75422748-TTGG-CTATGATGTGAT. GRCh37 (hg19) VCF-style: chr15-75715089-TTGG-CTATGATGTGAT.
Other names: c.262_265delinsATCACATCATAG, p.Pro88_Thr89delinsIleThrSerTer (NM_001145357.2, NM_001437462.1, NM_001437463.1 and 1 more transcripts).
Identifiers: ClinVar variation 4850015 (VCV004850015.1).
Genomic context (GRCh38, chr15:75,422,748, plus strand): 5'-CTGGTGGGGCTGGATGAGCATGACTCTGGACCACCTGGCCTCCGTGGGGCTGCACCGCTG[TTGG>CTATGATGTGAT]GTGATGATGGCTGCTATGAACTGCTGCTATAGCGGGCCCATGACTGCCGGAGCTCTGTGG-3'